The following is an entry in ClinVar:

NM_000179.3(MSH6):c.628-8C>G

Gene: MSH6 (mutS homolog 6; plus strand). Cytogenetic location: 2p16.3.
Variant type: single nucleotide variant.
Coding change: c.628-8C>G on transcript NM_000179.3 (MANE Select); 8 bases into the intron before coding-DNA position 628, C replaced by G.
Molecular consequence: intron variant.
Genome position (GRCh38, 1-based): chr2:47,798,603, C>G. VCF-style: chr2-47798603-C-G. GRCh37 (hg19) VCF-style: chr2-48025742-C-G.
Other names: c.-279-8C>G (NM_001281493.2); c.238-8C>G (NM_001281492.2); c.-275-12C>G (NM_001281494.2).
Identifiers: ClinVar variation 508967 (VCV000508967.20), dbSNP rs767991179, ClinGen allele CA46706458.

ClinVar aggregate classification (germline): Likely benign. Review status: criteria provided, multiple submitters, no conflicts (2 of 4 stars). 4 submissions from 4 submitters: Likely benign (4). Last evaluated 2025-06-25.

Conditions:
Hereditary cancer-predisposing syndrome. Also called: Hereditary neoplastic syndrome; Hereditary Cancer Syndrome; Neoplastic Syndromes, Hereditary; Tumor predisposition. Identifiers: Orphanet 140162, MedGen C0027672, MeSH D009386, MONDO:0015356.
Hereditary nonpolyposis colorectal neoplasms. Identifiers: MedGen C0009405, MeSH D003123.
Lynch syndrome. Identifiers: Orphanet 144, MedGen C4552100, MONDO:0005835. Disease mechanism: loss of function.

Allele frequency attached by ClinVar (database versions not stated): TOPMed 0.00002.
gnomAD v4.1: 4 of 1,608,252 alleles (0.00025%); highest among the groups gnomAD compares: Non-Finnish European, 0.00034%; no homozygotes.

Submissions (4):

Labcorp Genetics (formerly Invitae), Labcorp
Classification: Likely benign for Hereditary nonpolyposis colorectal neoplasms. Last evaluated: 2025-06-25. Review status: criteria provided, single submitter. Criteria: Invitae Variant Classification Sherloc (09022015). Collection method: clinical testing. Allele origin: germline.

All of Us Research Program, National Institutes of Health
Classification: Likely benign for Lynch syndrome. Last evaluated: 2023-06-26. Review status: criteria provided, single submitter. Criteria: ACMG Guidelines, 2015. Collection method: clinical testing. Allele origin: germline. Inheritance: Autosomal dominant inheritance. Observed: 1 variant allele, 1 heterozygote.
Comment: This study involves interpretation of variants in research participants for the purpose of population health screening. Participant phenotype was not available at the time of variant classification. Additional details can be found in publication PMID: 35346344, PMCID: PMC8962531

Color Diagnostics, LLC DBA Color Health
Classification: Likely benign for Hereditary cancer-predisposing syndrome. Last evaluated: 2023-06-08. Review status: criteria provided, single submitter. Criteria: ACMG Guidelines, 2015. Collection method: clinical testing. Allele origin: germline.

GeneDx
Classification: Likely benign. Last evaluated: 2021-05-14. Review status: criteria provided, single submitter. Criteria: GeneDx Variant Classification Process June 2021. Collection method: clinical testing. Allele origin: germline. Affected: yes.